The following is an entry in ClinVar:

ClinVar aggregate classification (germline): Pathogenic (1 of 4 stars; one submission).

Submission:

Labcorp Genetics (formerly Invitae), Labcorp
Classification: Pathogenic. Last evaluated: 2021-07-08. Review status: criteria provided, single submitter. Criteria: Invitae Variant Classification Sherloc (09022015). Collection method: clinical testing. Allele origin: germline.
Comment: This sequence change creates a premature translational stop signal (p.Ser393*) in the ATP6V1B1 gene. It is expected to result in an absent or disrupted protein product. Loss-of-function variants in ATP6V1B1 are known to be pathogenic (PMID: 9916796, 18368028). This variant is not present in population databases (ExAC no frequency). This variant has not been reported in the literature in individuals affected with ATP6V1B1-related conditions. Algorithms developed to predict the effect of sequence changes on RNA splicing suggest that this variant may create or strengthen a splice site. For these reasons, this variant has been classified as Pathogenic.

Literature cited by the submitters: PubMed 9916796; PubMed 18368028.

NM_001692.4(ATP6V1B1):c.1178C>A (p.Ser393Ter)

Gene: ATP6V1B1 (ATPase H+ transporting V1 subunit B1; plus strand). Cytogenetic location: 2p13.3.
Variant type: single nucleotide variant.
Coding change: c.1178C>A on transcript NM_001692.4 (MANE Select); coding-DNA position 1178, C replaced by A.
Protein change: p.Ser393Ter; replaces serine 393 with a stop codon.
Molecular consequence: nonsense.
Genome position (GRCh38, 1-based): chr2:70,964,472, C>A. VCF-style: chr2-70964472-C-A. GRCh37 (hg19) VCF-style: chr2-71191602-C-A.
Other names: short protein forms S393*.
Identifiers: ClinVar variation 1429656 (VCV001429656.6), dbSNP rs1333081051, ClinGen allele CA347187650.